The following is an entry in ClinVar:

NM_001206927.2(DNAH8):c.7536G>C (p.Glu2512Asp)

Gene: DNAH8 (dynein axonemal heavy chain 8; plus strand). Cytogenetic location: 6p21.2.
Variant type: single nucleotide variant.
Coding change: c.7536G>C on transcript NM_001206927.2 (MANE Select); coding-DNA position 7536, G replaced by C.
Protein change: p.Glu2512Asp; replaces glutamic acid 2512 with aspartic acid.
Molecular consequence: missense variant.
Genome position (GRCh38, 1-based): chr6:38,873,292, G>C. VCF-style: chr6-38873292-G-C. GRCh37 (hg19) VCF-style: chr6-38841068-G-C.
Other names: c.6885G>C, p.Glu2295Asp (NM_001371.4); short protein forms E2512D, E2295D.
Identifiers: ClinVar variation 525313 (VCV000525313.9), dbSNP rs368018225, ClinGen allele CA137598096.

ClinVar aggregate classification (germline): Uncertain significance (1 of 4 stars; one submission).

Conditions:
Primary ciliary dyskinesia. Also called: Ciliary dyskinesia. Identifiers: Orphanet 244, MedGen C0008780, MONDO:0016575, HP:0012265.

Submission:

Labcorp Genetics (formerly Invitae), Labcorp
Classification: Uncertain significance for Primary ciliary dyskinesia. Last evaluated: 2023-08-04. Review status: criteria provided, single submitter. Criteria: Invitae Variant Classification Sherloc (09022015). Collection method: clinical testing. Allele origin: germline.
Comment: In summary, the available evidence is currently insufficient to determine the role of this variant in disease. Therefore, it has been classified as a Variant of Uncertain Significance. Algorithms developed to predict the effect of missense changes on protein structure and function output the following: SIFT: "Not Available"; PolyPhen-2: "Not Available"; Align-GVGD: "Not Available". The aspartic acid amino acid residue is found in multiple mammalian species, which suggests that this missense change does not adversely affect protein function. ClinVar contains an entry for this variant (Variation ID: 525313). This variant has not been reported in the literature in individuals affected with DNAH8-related conditions. This variant is not present in population databases (gnomAD no frequency). This sequence change replaces glutamic acid, which is acidic and polar, with aspartic acid, which is acidic and polar, at codon 2512 of the DNAH8 protein (p.Glu2512Asp).